The following is an entry in ClinVar:

NM_013275.6(ANKRD11):c.2382T>C (p.Ile794=)

Gene: ANKRD11 (ankyrin repeat domain 11; minus strand). Cytogenetic location: 16q24.3.
Variant type: single nucleotide variant.
Coding change: c.2382T>C on transcript NM_013275.6 (MANE Select); coding-DNA position 2382, T replaced by C.
Protein change: p.Ile794=; no amino-acid change (isoleucine 794 retained).
Molecular consequence: synonymous variant.
Genome position (GRCh38, 1-based): chr16:89,284,160, A>G on the plus strand (T>C on the coding strand, the complement: ANKRD11 is on the minus strand). VCF-style: chr16-89284160-A-G. GRCh37 (hg19) VCF-style: chr16-89350568-A-G.
Other names: c.2382T>C, p.Ile794= (NM_001256182.2, NM_001256183.2).
Identifiers: ClinVar variation 4534751 (VCV004534751.6).

ClinVar aggregate classification (germline): Likely benign (1 of 4 stars; one submission).

Submission:

CeGaT Center for Human Genetics Tuebingen
Classification: Likely benign. Last evaluated: 2026-07-01. Review status: criteria provided, single submitter. Criteria: CeGaT Center For Human Genetics Tuebingen Variant Classification Criteria Version 2. Collection method: clinical testing. Allele origin: germline. Affected: yes. Observed: 3 variant alleles.
Comment: ANKRD11: PM2:Supporting, BP4, BP7